The following is an entry in ClinVar:

NM_000553.6(WRN):c.88G>T (p.Glu30Ter)

Gene: WRN (WRN RecQ like helicase; plus strand). Cytogenetic location: 8p12.
Variant type: single nucleotide variant.
Coding change: c.88G>T on transcript NM_000553.6 (MANE Select); coding-DNA position 88, G replaced by T.
Protein change: p.Glu30Ter; replaces glutamic acid 30 with a stop codon.
Molecular consequence: nonsense.
Genome position (GRCh38, 1-based): chr8:31,058,535, G>T. VCF-style: chr8-31058535-G-T. GRCh37 (hg19) VCF-style: chr8-30916051-G-T.
Other names: short protein forms E30*.
Identifiers: ClinVar variation 569323 (VCV000569323.9), dbSNP rs1198210848, ClinGen allele CA370912280.

ClinVar aggregate classification (germline): Pathogenic/Likely pathogenic. Review status: criteria provided, multiple submitters, no conflicts (2 of 4 stars). 2 submissions from 2 submitters: Pathogenic (1); Likely pathogenic (1). Last evaluated 2023-11-30.

Conditions:
Werner syndrome (WRN). Identifiers: Orphanet 902, MedGen C0043119, MONDO:0010196, OMIM 277700.

Allele frequency attached by ClinVar (database versions not stated): gnomAD exomes below 0.00001; gnomAD 0.00001.
gnomAD v4.1: 4 of 1,613,526 alleles (0.00025%); highest among the groups gnomAD compares: Non-Finnish European, 0.00034%; no homozygotes.

Submissions (2):

Baylor Genetics
Classification: Likely pathogenic for Werner syndrome. Last evaluated: 2023-11-30. Review status: criteria provided, single submitter. Criteria: ACMG Guidelines, 2015. Collection method: clinical testing. Allele origin: unknown.

Labcorp Genetics (formerly Invitae), Labcorp
Classification: Pathogenic for Werner syndrome. Last evaluated: 2023-02-10. Review status: criteria provided, single submitter. Criteria: Invitae Variant Classification Sherloc (09022015). Collection method: clinical testing. Allele origin: germline.
Comment: This variant has not been reported in the literature in individuals affected with WRN-related conditions. This variant is present in population databases (no rsID available, gnomAD 0.0009%). This sequence change creates a premature translational stop signal (p.Glu30*) in the WRN gene. It is expected to result in an absent or disrupted protein product. Loss-of-function variants in WRN are known to be pathogenic (PMID: 16673358). ClinVar contains an entry for this variant (Variation ID: 569323). For these reasons, this variant has been classified as Pathogenic.

Literature cited by the submitters: PubMed 16673358 (cited by Labcorp Genetics (formerly Invitae), Labcorp).